The following is an entry in ClinVar:

ClinVar aggregate classification (germline): Uncertain significance. Review status: criteria provided, multiple submitters, no conflicts (2 of 4 stars). 2 submissions from 2 submitters: Uncertain significance (2). Last evaluated 2025-08-04.

Allele frequency attached by ClinVar (database versions not stated): gnomAD exomes 0.00001; TOPMed 0.00001; ExAC 0.00002.
gnomAD v4.1: 3 of 1,613,400 alleles (0.00019%); highest among the groups gnomAD compares: Admixed American, 0.005%; no homozygotes.

Submissions (2):

Ambry Genetics
Classification: Uncertain significance. Last evaluated: 2025-08-04. Review status: criteria provided, single submitter. Criteria: Ambry Variant Classification Scheme 2023. Collection method: clinical testing. Allele origin: germline.

Labcorp Genetics (formerly Invitae), Labcorp
Classification: Uncertain significance. Last evaluated: 2022-11-08. Review status: criteria provided, single submitter. Criteria: Invitae Variant Classification Sherloc (09022015). Collection method: clinical testing. Allele origin: germline.
Comment: In summary, the available evidence is currently insufficient to determine the role of this variant in disease. Therefore, it has been classified as a Variant of Uncertain Significance. Algorithms developed to predict the effect of missense changes on protein structure and function are either unavailable or do not agree on the potential impact of this missense change (SIFT: "Deleterious"; PolyPhen-2: "Probably Damaging"; Align-GVGD: "Class C0"). ClinVar contains an entry for this variant (Variation ID: 1467203). This variant has not been reported in the literature in individuals affected with ESRRB-related conditions. This variant is present in population databases (rs764336526, gnomAD 0.006%). This sequence change replaces leucine, which is neutral and non-polar, with methionine, which is neutral and non-polar, at codon 56 of the ESRRB protein (p.Leu56Met).

NM_001379180.1(ESRRB):c.229C>A (p.Leu77Met)

Gene: ESRRB (estrogen related receptor beta; plus strand). Cytogenetic location: 14q24.3.
Variant type: single nucleotide variant.
Coding change: c.229C>A on transcript NM_001379180.1 (MANE Select); coding-DNA position 229, C replaced by A.
Protein change: p.Leu77Met; replaces leucine 77 with methionine.
Molecular consequence: missense variant.
Genome position (GRCh38, 1-based): chr14:76,439,519, C>A. VCF-style: chr14-76439519-C-A. GRCh37 (hg19) VCF-style: chr14-76905862-C-A.
Other names: c.166C>A, p.Leu56Met (NM_004452.4); c.166C>A (NM_004452.3); short protein forms L56M, L77M.
Identifiers: ClinVar variation 1467203 (VCV001467203.7), dbSNP rs764336526, ClinGen allele CA7281532.
Genomic context (GRCh38, chr14:76,439,519, plus strand): 5'-AGTGGCTCGTCCGACGCCAGCGGCGGCTTTGGCCTGGCCCTGGGCACCCACGCCAACGGT[C>A]TGGACTCGCCACCCATGTTTGCAGGCGCCGGGCTGGGAGGCACCCCATGCCGCAAGAGCT-3'
Protein context (NP_001366109.1, residues 67-87): GLALGTHANG[Leu77Met]DSPPMFAGAG